The following is an entry in ClinVar:

NM_138691.3(TMC1):c.1143C>A (p.Tyr381Ter)

Gene: TMC1 (transmembrane channel like 1; plus strand). Cytogenetic location: 9q21.13.
Variant type: single nucleotide variant.
Coding change: c.1143C>A on transcript NM_138691.3 (MANE Select); coding-DNA position 1143, C replaced by A.
Protein change: p.Tyr381Ter; replaces tyrosine 381 with a stop codon.
Molecular consequence: nonsense.
Genome position (GRCh38, 1-based): chr9:72,789,236, C>A. VCF-style: chr9-72789236-C-A. GRCh37 (hg19) VCF-style: chr9-75404152-C-A.
Other names: short protein forms Y381*.
Identifiers: ClinVar variation 3639148 (VCV003639148.2).

ClinVar aggregate classification (germline): Pathogenic (1 of 4 stars; one submission).

Submission:

Labcorp Genetics (formerly Invitae), Labcorp
Classification: Pathogenic. Last evaluated: 2024-02-06. Review status: criteria provided, single submitter. Criteria: Invitae Variant Classification Sherloc (09022015). Collection method: clinical testing. Allele origin: germline.
Comment: This sequence change creates a premature translational stop signal (p.Tyr381*) in the TMC1 gene. It is expected to result in an absent or disrupted protein product. Loss-of-function variants in TMC1 are known to be pathogenic (PMID: 11850618, 22105175). The frequency data for this variant in the population databases is considered unreliable, as metrics indicate poor data quality at this position in the gnomAD database. This premature translational stop signal has been observed in individual(s) with deafness (PMID: 30303587). For these reasons, this variant has been classified as Pathogenic.

Literature cited by the submitters: PubMed 11850618; PubMed 22105175; PubMed 30303587.